The following is an entry in ClinVar:

ClinVar aggregate classification (germline): Conflicting classifications of pathogenicity. Review status: criteria provided, conflicting classifications (1 of 4 stars). 2 submissions from 2 submitters: Uncertain significance (1); Benign (1). Last evaluated 2026-02-01.

Conditions:
Primary ciliary dyskinesia. Also called: Ciliary dyskinesia. Identifiers: Orphanet 244, MedGen C0008780, MONDO:0016575, HP:0012265.

Allele frequency attached by ClinVar (database versions not stated): TOPMed 0.00013; gnomAD exomes 0.00014 and 0.00022; 1000 Genomes Project 30x 0.00016; 1000 Genomes Project 0.00020; gnomAD 0.00021 and 0.00022; ExAC 0.00029.
gnomAD v4.1: 339 of 1,603,498 alleles (0.021%); highest among the groups gnomAD compares: Non-Finnish European, 0.026%; no homozygotes.

Submissions (2):

Labcorp Genetics (formerly Invitae), Labcorp
Classification: Benign for Primary ciliary dyskinesia. Last evaluated: 2026-02-01. Review status: criteria provided, single submitter. Criteria: Invitae Variant Classification Sherloc (09022015). Collection method: clinical testing. Allele origin: germline.

Ambry Genetics
Classification: Uncertain significance for Primary ciliary dyskinesia. Last evaluated: 2025-03-01. Review status: criteria provided, single submitter. Criteria: Ambry Variant Classification Scheme 2023. Collection method: clinical testing. Allele origin: germline.
Comment: The p.R1715C variant (also known as c.5143C>T), located in coding exon 30 of the DNAH11 gene, results from a C to T substitution at nucleotide position 5143. The arginine at codon 1715 is replaced by cysteine, an amino acid with highly dissimilar properties. This amino acid position is conserved. In addition, the in silico prediction for this alteration is inconclusive. Since supporting evidence is limited at this time, the clinical significance of this alteration remains unclear.

NM_001277115.2(DNAH11):c.5143C>T (p.Arg1715Cys)

Gene: DNAH11 (dynein axonemal heavy chain 11; plus strand). Cytogenetic location: 7p15.3.
Variant type: single nucleotide variant.
Coding change: c.5143C>T on transcript NM_001277115.2 (MANE Select); coding-DNA position 5143, C replaced by T.
Protein change: p.Arg1715Cys; replaces arginine 1715 with cysteine.
Molecular consequence: missense variant.
Genome position (GRCh38, 1-based): chr7:21,658,846, C>T. VCF-style: chr7-21658846-C-T. GRCh37 (hg19) VCF-style: chr7-21698464-C-T.
Other names: short protein forms R1715C.
Identifiers: ClinVar variation 525302 (VCV000525302.14), dbSNP rs531475386, ClinGen allele CA4180319.